The following is an entry in ClinVar:

NM_006767.4(LZTR1):c.1588A>G (p.Thr530Ala)

Gene: LZTR1 (leucine zipper like post translational regulator 1; plus strand). Cytogenetic location: 22q11.21.
Variant type: single nucleotide variant.
Coding change: c.1588A>G on transcript NM_006767.4 (MANE Select); coding-DNA position 1588, A replaced by G.
Protein change: p.Thr530Ala; replaces threonine 530 with alanine.
Molecular consequence: missense variant.
Genome position (GRCh38, 1-based): chr22:20,994,242, A>G. VCF-style: chr22-20994242-A-G. GRCh37 (hg19) VCF-style: chr22-21348531-A-G.
Other names: short protein forms T530A.
Identifiers: ClinVar variation 2574448 (VCV002574448.4), dbSNP rs2147967453, ClinGen allele CA410776155.

ClinVar aggregate classification (germline): Uncertain significance. Review status: criteria provided, multiple submitters, no conflicts (2 of 4 stars). 2 submissions from 2 submitters: Uncertain significance (2). Last evaluated 2023-01-26.

Submissions (2):

GeneDx
Classification: Uncertain significance. Last evaluated: 2023-01-26. Review status: criteria provided, single submitter. Criteria: GeneDx Variant Classification Process June 2021. Collection method: clinical testing. Allele origin: germline. Affected: yes.
Comment: Not observed at significant frequency in large population cohorts (gnomAD); In silico analysis supports that this missense variant has a deleterious effect on protein structure/function; Has not been previously published as pathogenic or benign to our knowledge

Labcorp Genetics (formerly Invitae), Labcorp
Classification: Uncertain significance. Last evaluated: 2022-11-26. Review status: criteria provided, single submitter. Criteria: Invitae Variant Classification Sherloc (09022015). Collection method: clinical testing. Allele origin: germline.
Comment: This sequence change replaces threonine, which is neutral and polar, with alanine, which is neutral and non-polar, at codon 530 of the LZTR1 protein (p.Thr530Ala). This variant is not present in population databases (gnomAD no frequency). This variant has not been reported in the literature in individuals affected with LZTR1-related conditions. Advanced modeling of protein sequence and biophysical properties (such as structural, functional, and spatial information, amino acid conservation, physicochemical variation, residue mobility, and thermodynamic stability) performed at Invitae indicates that this missense variant is not expected to disrupt LZTR1 protein function. In summary, the available evidence is currently insufficient to determine the role of this variant in disease. Therefore, it has been classified as a Variant of Uncertain Significance.